The following is an entry in ClinVar:

ClinVar aggregate classification (germline): Likely benign (0 of 4 stars; one submission).

Conditions:
NAXD-related disorder. Also called: NAXD-related condition.

Allele frequency attached by ClinVar (database versions not stated): gnomAD exomes below 0.00001; gnomAD 0.00005; TOPMed 0.00005.
gnomAD v4.1: 10 of 1,613,552 alleles (0.00062%); highest among the groups gnomAD compares: African/African-American, 0.012%; no homozygotes.

Submission:

PreventionGenetics, part of Exact Sciences
Classification: Likely benign for NAXD-related condition. Last evaluated: 2020-05-11. Review status: no assertion criteria provided. Collection method: clinical testing. Allele origin: germline.
Comment: This variant is classified as likely benign based on ACMG/AMP sequence variant interpretation guidelines (Richards et al. 2015 PMID: 25741868, with internal and published modifications).

NM_001242882.2(NAXD):c.303C>T (p.Tyr101=)

Gene: NAXD (NAD(P)HX dehydratase; plus strand). Cytogenetic location: 13q34.
Variant type: single nucleotide variant.
Coding change: c.303C>T on transcript NM_001242882.2 (MANE Select); coding-DNA position 303, C replaced by T.
Protein change: p.Tyr101=; no amino-acid change (tyrosine 101 retained).
Molecular consequence: synonymous variant. On other transcripts: non-coding transcript variant (1), intron variant (1).
Genome position (GRCh38, 1-based): chr13:110,625,249, C>T. VCF-style: chr13-110625249-C-T. GRCh37 (hg19) VCF-style: chr13-111277596-C-T.
Other names: c.357C>T, p.Tyr119= (NM_001242881.2, NM_018210.4); c.57-2190C>T (NM_001242883.2).
Identifiers: ClinVar variation 3055073 (VCV003055073.2), dbSNP rs991636237, ClinGen allele CA256305488.